The following is an entry in ClinVar:

ClinVar aggregate classification (germline): Uncertain significance. Review status: criteria provided, multiple submitters, no conflicts (2 of 4 stars). 3 submissions from 3 submitters: Uncertain significance (3). Last evaluated 2024-12-16.

Conditions:
Combined immunodeficiency due to DOCK8 deficiency (HIES2). Also called: HYPER-IgE RECURRENT INFECTION SYNDROME 2, AUTOSOMAL RECESSIVE; HIES autosomal recessive; HYPER-IgE SYNDROME 2, AUTOSOMAL RECESSIVE, WITH RECURRENT INFECTIONS; Hyper-IgE recurrent infection syndrome, autosomal recessive; DOCK8 Deficiency. Identifiers: Orphanet 217390, MedGen C4722305, MONDO:0009478, OMIM 243700.

Allele frequency attached by ClinVar (database versions not stated): TOPMed below 0.00001; ExAC 0.00001; gnomAD 0.00001; gnomAD exomes 0.00001.
gnomAD v4.1: 12 of 1,613,992 alleles (0.00074%); highest among the groups gnomAD compares: South Asian, 0.0011%; no homozygotes.

Submissions (3):

Labcorp Genetics (formerly Invitae), Labcorp
Classification: Uncertain significance for Combined immunodeficiency due to DOCK8 deficiency. Last evaluated: 2024-12-16. Review status: criteria provided, single submitter. Criteria: Invitae Variant Classification Sherloc (09022015). Collection method: clinical testing. Allele origin: germline.
Comment: This sequence change replaces glycine, which is neutral and non-polar, with glutamic acid, which is acidic and polar, at codon 910 of the DOCK8 protein (p.Gly910Glu). This variant is present in population databases (rs749235748, gnomAD 0.0009%). This variant has not been reported in the literature in individuals affected with DOCK8-related conditions. ClinVar contains an entry for this variant (Variation ID: 1989089). Invitae Evidence Modeling of protein sequence and biophysical properties (such as structural, functional, and spatial information, amino acid conservation, physicochemical variation, residue mobility, and thermodynamic stability) indicates that this missense variant is not expected to disrupt DOCK8 protein function with a negative predictive value of 80%. In summary, the available evidence is currently insufficient to determine the role of this variant in disease. Therefore, it has been classified as a Variant of Uncertain Significance.

GeneDx
Classification: Uncertain significance. Last evaluated: 2024-05-14. Review status: criteria provided, single submitter. Criteria: GeneDx Variant Classification Process June 2021. Collection method: clinical testing. Allele origin: germline. Affected: yes.
Comment: Not observed at significant frequency in large population cohorts (gnomAD); In silico analysis supports that this missense variant has a deleterious effect on protein structure/function; Has not been previously published as pathogenic or benign to our knowledge

Blueprint Genetics
Classification: Uncertain significance. Last evaluated: 2024-05-13. Review status: criteria provided, single submitter. Criteria: ACMG Guidelines, 2015. Collection method: clinical testing. Allele origin: germline.

NM_203447.4(DOCK8):c.2729G>A (p.Gly910Glu)

Gene: DOCK8 (dedicator of cytokinesis 8; plus strand). Cytogenetic location: 9p24.3.
Variant type: single nucleotide variant.
Coding change: c.2729G>A on transcript NM_203447.4 (MANE Select); coding-DNA position 2729, G replaced by A.
Protein change: p.Gly910Glu; replaces glycine 910 with glutamic acid.
Molecular consequence: missense variant.
Genome position (GRCh38, 1-based): chr9:382,636, G>A. VCF-style: chr9-382636-G-A. GRCh37 (hg19) VCF-style: chr9-382636-G-A.
Other names: c.2525G>A, p.Gly842Glu (NM_001190458.2, NM_001193536.2); short protein forms G842E, G910E.
Identifiers: ClinVar variation 1989089 (VCV001989089.6), dbSNP rs749235748, ClinGen allele CA4958298.